The following is an entry in ClinVar:

ClinVar aggregate classification (germline): Likely benign (1 of 4 stars; one submission).

Allele frequency attached by ClinVar (database versions not stated): gnomAD exomes below 0.00001.
gnomAD v4.1: 2 of 1,614,212 alleles (0.00012%); highest among the groups gnomAD compares: Admixed American, 0.0033%; no homozygotes.

Submission:

CeGaT Center for Human Genetics Tuebingen
Classification: Likely benign. Last evaluated: 2026-05-01. Review status: criteria provided, single submitter. Criteria: CeGaT Center For Human Genetics Tuebingen Variant Classification Criteria Version 2. Collection method: clinical testing. Allele origin: germline. Affected: yes. Observed: 3 variant alleles.
Comment: FBXO16: BP4, BP7

NM_172366.4(FBXO16):c.255C>T (p.Ala85=)

Gene: FBXO16 (F-box protein 16; minus strand). Cytogenetic location: 8p21.1.
Variant type: single nucleotide variant.
Coding change: c.255C>T on transcript NM_172366.4 (MANE Select); coding-DNA position 255, C replaced by T.
Protein change: p.Ala85=; no amino-acid change (alanine 85 retained).
Molecular consequence: synonymous variant.
Genome position (GRCh38, 1-based): chr8:28,463,699, G>A on the plus strand (C>T on the coding strand, the complement: FBXO16 is on the minus strand). VCF-style: chr8-28463699-G-A. GRCh37 (hg19) VCF-style: chr8-28321216-G-A.
Other names: c.219C>T, p.Ala73= (NM_001258211.2).
Identifiers: ClinVar variation 3234304 (VCV003234304.20), dbSNP rs1207481029, ClinGen allele CA460068364.